The following is an entry in ClinVar:

ClinVar aggregate classification (germline): Uncertain significance (1 of 4 stars; one submission).

Allele frequency attached by ClinVar (database versions not stated): TOPMed below 0.00001; gnomAD 0.00003.
gnomAD v4.1: 5 of 1,593,466 alleles (0.00031%); highest among the groups gnomAD compares: African/African-American, 0.0067%; no homozygotes.

Submission:

Labcorp Genetics (formerly Invitae), Labcorp
Classification: Uncertain significance. Last evaluated: 2023-06-29. Review status: criteria provided, single submitter. Criteria: Invitae Variant Classification Sherloc (09022015). Collection method: clinical testing. Allele origin: germline.
Comment: ClinVar contains an entry for this variant (Variation ID: 2175286). An algorithm developed to predict the effect of missense changes on protein structure and function (PolyPhen-2) suggests that this variant is likely to be tolerated. Algorithms developed to predict the effect of sequence changes on RNA splicing suggest that this variant may disrupt the consensus splice site. In summary, the available evidence is currently insufficient to determine the role of this variant in disease. Therefore, it has been classified as a Variant of Uncertain Significance. This variant has not been reported in the literature in individuals affected with RNASET2-related conditions. This variant is present in population databases (rs771231451, gnomAD 0.008%). This sequence change replaces valine, which is neutral and non-polar, with leucine, which is neutral and non-polar, at codon 150 of the RNASET2 protein (p.Val150Leu).

NM_003730.6(RNASET2):c.448G>T (p.Val150Leu)

Gene: RNASET2 (ribonuclease T2; minus strand). Cytogenetic location: 6q27.
Variant type: single nucleotide variant.
Coding change: c.448G>T on transcript NM_003730.6 (MANE Select); coding-DNA position 448, G replaced by T.
Protein change: p.Val150Leu; replaces valine 150 with leucine.
Molecular consequence: missense variant.
Genome position (GRCh38, 1-based): chr6:166,934,135, C>A on the plus strand (G>T on the coding strand, the complement: RNASET2 is on the minus strand). VCF-style: chr6-166934135-C-A. GRCh37 (hg19) VCF-style: chr6-167347623-C-A.
Other names: short protein forms V150L.
Identifiers: ClinVar variation 2175286 (VCV002175286.4), dbSNP rs771231451, ClinGen allele CA4094904.